The following is an entry in ClinVar:

ClinVar aggregate classification (germline): Uncertain significance. Review status: criteria provided, multiple submitters, no conflicts (2 of 4 stars). 6 submissions from 6 submitters: Uncertain significance (6). Last evaluated 2024-09-22.

Conditions:
Cardiomyopathy (CMYO). Also called: Cardiomyopathies. Identifiers: Orphanet 167848, MedGen C0878544, MONDO:0004994, HP:0001638. Inheritance: Various modes of inheritance.
Cardiovascular phenotype. Identifiers: MedGen CN230736.
Arrhythmogenic right ventricular dysplasia 5. Also called: Arrhythmogenic Right Ventricular Dysplasia/Cardiomyopathy 5; ARRHYTHMOGENIC RIGHT VENTRICULAR DYSPLASIA, FAMILIAL, 5. Identifiers: MedGen C1858379, MONDO:0011459, OMIM 604400.

gnomAD v4.1: 5 of 1,613,652 alleles (0.00031%); highest among the groups gnomAD compares: South Asian, 0.0022%; no homozygotes.

Submissions (6):

Ambry Genetics
Classification: Uncertain significance for Cardiovascular phenotype. Last evaluated: 2024-09-22. Review status: criteria provided, single submitter. Criteria: Ambry Variant Classification Scheme 2023. Collection method: clinical testing. Allele origin: germline.
Comment: The p.R268Q variant (also known as c.803G>A), located in coding exon 10 of the TMEM43 gene, results from a G to A substitution at nucleotide position 803. The arginine at codon 268 is replaced by glutamine, an amino acid with highly similar properties. This amino acid position is conserved. In addition, this alteration is predicted to be tolerated by in silico analysis. Based on the available evidence, the clinical significance of this variant remains unclear.

Color Diagnostics, LLC DBA Color Health
Classification: Uncertain significance for Cardiomyopathy. Last evaluated: 2024-03-06. Review status: criteria provided, single submitter. Criteria: ACMG Guidelines, 2015. Collection method: clinical testing. Allele origin: germline.
Comment: This missense variant replaces arginine with glutamine at codon 268 of the TMEM43 protein. Computational prediction suggests that this variant may not impact protein structure and function (internally defined REVEL score threshold <= 0.5, PMID: 27666373). To our knowledge, functional studies have not been reported for this variant. This variant has not been reported in individuals affected with cardiovascular disorders in the literature. This variant has been identified in 1/249812 chromosomes in the general population by the Genome Aggregation Database (gnomAD). The available evidence is insufficient to determine the role of this variant in disease conclusively. Therefore, this variant is classified as a Variant of Uncertain Significance.

All of Us Research Program, National Institutes of Health
Classification: Uncertain significance for Arrhythmogenic right ventricular dysplasia 5. Last evaluated: 2023-04-03. Review status: criteria provided, single submitter. Criteria: ACMG Guidelines, 2015. Collection method: clinical testing. Allele origin: germline. Inheritance: Autosomal dominant inheritance. Observed: 1 variant allele, 1 heterozygote.
Comment: This missense variant replaces arginine with glutamine at codon 268 of the TMEM43 protein. Computational prediction suggests that this variant may not impact protein structure and function (internally defined REVEL score threshold <= 0.5, PMID: 27666373). To our knowledge, functional studies have not been reported for this variant. This variant has not been reported in individuals affected with cardiovascular disorders in the literature. This variant has been identified in 1/249812 chromosomes in the general population by the Genome Aggregation Database (gnomAD). The available evidence is insufficient to determine the role of this variant in disease conclusively. Therefore, this variant is classified as a Variant of Uncertain Significance.

This study involves interpretation of variants in research participants for the purpose of population health screening. Participant phenotype was not available at the time of variant classification. Additional details can be found in publication PMID: 35346344, PMCID: PMC8962531

GeneDx
Classification: Uncertain significance. Last evaluated: 2023-02-17. Review status: criteria provided, single submitter. Criteria: GeneDx Variant Classification Process June 2021. Collection method: clinical testing. Allele origin: germline. Affected: yes.
Comment: Not observed at significant frequency in large population cohorts (gnomAD); In silico analysis supports that this missense variant does not alter protein structure/function; Has not been previously published as pathogenic or benign to our knowledge

Labcorp Genetics (formerly Invitae), Labcorp
Classification: Uncertain significance for Arrhythmogenic right ventricular dysplasia 5. Last evaluated: 2020-01-30. Review status: criteria provided, single submitter. Criteria: Invitae Variant Classification Sherloc (09022015). Collection method: clinical testing. Allele origin: germline.
Comment: In summary, the available evidence is currently insufficient to determine the role of this variant in disease. Therefore, it has been classified as a Variant of Uncertain Significance. Algorithms developed to predict the effect of sequence changes on RNA splicing suggest that this variant may create or strengthen a splice site, but this prediction has not been confirmed by published transcriptional studies. Algorithms developed to predict the effect of missense changes on protein structure and function (SIFT, PolyPhen-2, Align-GVGD) all suggest that this variant is likely to be tolerated, but these predictions have not been confirmed by published functional studies and their clinical significance is uncertain. This variant has not been reported in the literature in individuals with TMEM43-related conditions. ClinVar contains an entry for this variant (Variation ID: 667340). This variant is present in population databases (rs769969149, ExAC 0.002%). This sequence change replaces arginine with glutamine at codon 268 of the TMEM43 protein (p.Arg268Gln). The arginine residue is moderately conserved and there is a small physicochemical difference between arginine and glutamine.

Laboratory for Molecular Medicine, Mass General Brigham Personalized Medicine
Classification: Uncertain significance. Last evaluated: 2018-12-18. Review status: criteria provided, single submitter. Criteria: LMM Criteria. Collection method: clinical testing. Allele origin: germline. Observed: 1 variant allele.
Comment: The p.Arg268Gln variant in TMEM43 has not been previously reported in individual s with cardiomyopathy but has been identified in 1/112144 of European chromosome s by gnomAD. Computational prediction tools a nd conservation analysis do not provide strong support for or against an impact to the protein. In summary, the clinical significance of the p.Arg268Gln variant is uncertain. ACMG/AMP Criteria applied: PM2.

NM_024334.3(TMEM43):c.803G>A (p.Arg268Gln)

Gene: TMEM43 (transmembrane protein 43; plus strand). Cytogenetic location: 3p25.1.
Variant type: single nucleotide variant.
Coding change: c.803G>A on transcript NM_024334.3 (MANE Select); coding-DNA position 803, G replaced by A.
Protein change: p.Arg268Gln; replaces arginine 268 with glutamine.
Molecular consequence: missense variant.
Genome position (GRCh38, 1-based): chr3:14,135,829, G>A. VCF-style: chr3-14135829-G-A. GRCh37 (hg19) VCF-style: chr3-14177329-G-A.
Other names: short protein forms R268Q.
Identifiers: ClinVar variation 667340 (VCV000667340.20), dbSNP rs769969149, ClinGen allele CA055606.